The following is an entry in ClinVar:

ClinVar aggregate classification (germline): Uncertain significance (1 of 4 stars; one submission).

gnomAD v4.1: 1 of 1,612,920 alleles (0.000062%); highest among the groups gnomAD compares: South Asian, 0.0011%; no homozygotes.

Submission:

Labcorp Genetics (formerly Invitae), Labcorp
Classification: Uncertain significance. Last evaluated: 2023-04-09. Review status: criteria provided, single submitter. Criteria: Invitae Variant Classification Sherloc (09022015). Collection method: clinical testing. Allele origin: germline.
Comment: In summary, the available evidence is currently insufficient to determine the role of this variant in disease. Therefore, it has been classified as a Variant of Uncertain Significance. Advanced modeling of protein sequence and biophysical properties (such as structural, functional, and spatial information, amino acid conservation, physicochemical variation, residue mobility, and thermodynamic stability) performed at Invitae indicates that this missense variant is not expected to disrupt COL4A2 protein function. This variant has not been reported in the literature in individuals affected with COL4A2-related conditions. This variant is not present in population databases (gnomAD no frequency). This sequence change replaces glycine, which is neutral and non-polar, with serine, which is neutral and polar, at codon 10 of the COL4A2 protein (p.Gly10Ser).

NM_001846.4(COL4A2):c.28G>A (p.Gly10Ser)

Gene: COL4A2 (collagen type IV alpha 2 chain; plus strand). Cytogenetic location: 13q34.
Variant type: single nucleotide variant.
Coding change: c.28G>A on transcript NM_001846.4 (MANE Select); coding-DNA position 28, G replaced by A.
Protein change: p.Gly10Ser; replaces glycine 10 with serine.
Molecular consequence: missense variant.
Genome position (GRCh38, 1-based): chr13:110,307,931, G>A. VCF-style: chr13-110307931-G-A. GRCh37 (hg19) VCF-style: chr13-110960278-G-A.
Other names: short protein forms G10S.
Identifiers: ClinVar variation 2851562 (VCV002851562.3), dbSNP rs1594135412, ClinGen allele CA388732947.